The following is an entry in ClinVar:

NM_000553.6(WRN):c.2232del (p.Asn745fs)

Gene: WRN (WRN RecQ like helicase; plus strand). Cytogenetic location: 8p12.
Variant type: Deletion.
Coding change: c.2232del on transcript NM_000553.6 (MANE Select); coding-DNA position 2232, one base deleted (G; older notation c.2232delG).
Protein change: p.Asn745fs; shifts the reading frame from asparagine 745.
Molecular consequence: frameshift variant.
Genome position (GRCh38, 1-based): chr8:31,111,758, G deleted; the last of 3 consecutive G bases (chr8:31,111,756-31,111,758); deleting any one gives the same sequence. VCF-style (leftmost placement, unchanged base first): chr8-31111755-AG-A. GRCh37 (hg19) VCF-style: chr8-30969271-AG-A.
Other names: short protein forms N745fs.
Identifiers: ClinVar variation 1388309 (VCV001388309.6), dbSNP rs2130284409, ClinGen allele CA2573142658.
Genomic context (GRCh38, chr8:31,111,755, plus strand): 5'-TCAGATCACCTGTACTGGTTTTGATCGACCAAACCTGTATTTAGAAGTTAGGCGAAAAAC[AG>A]GGAATATCCTTCAGGATCTGCAGCCATTTCTTGTCAAAACAAGGTAAGGATTTAATGGTT-3'

ClinVar aggregate classification (germline): Pathogenic (1 of 4 stars; one submission).

Conditions:
Werner syndrome (WRN). Identifiers: Orphanet 902, MedGen C0043119, MONDO:0010196, OMIM 277700.

Submission:

Labcorp Genetics (formerly Invitae), Labcorp
Classification: Pathogenic for Werner syndrome. Last evaluated: 2021-03-27. Review status: criteria provided, single submitter. Criteria: Invitae Variant Classification Sherloc (09022015). Collection method: clinical testing. Allele origin: germline.
Comment: This sequence change creates a premature translational stop signal (p.Asn745Ilefs*32) in the WRN gene. It is expected to result in an absent or disrupted protein product. Loss-of-function variants in WRN are known to be pathogenic (PMID: 16673358). This variant is not present in population databases (ExAC no frequency). This variant has not been reported in the literature in individuals with WRN-related conditions. For these reasons, this variant has been classified as Pathogenic.

Literature cited by the submitters: PubMed 16673358.